The following is an entry in ClinVar:

NM_000133.4(F9):c.835G>C (p.Ala279Pro)

Gene: F9 (coagulation factor IX; plus strand). Cytogenetic location: Xq27.1.
Variant type: single nucleotide variant.
Coding change: c.835G>C on transcript NM_000133.4 (MANE Select); coding-DNA position 835, G replaced by C.
Protein change: p.Ala279Pro; replaces alanine 279 with proline.
Molecular consequence: missense variant.
Genome position (GRCh38, 1-based): chrX:139,560,852, G>C. VCF-style: chrX-139560852-G-C. GRCh37 (hg19) VCF-style: chrX-138643011-G-C.
Other names: c.721G>C, p.Ala241Pro (NM_001313913.2); short protein forms A241P, A279P.
Identifiers: ClinVar variation 1477908 (VCV001477908.6), dbSNP rs137852247, ClinGen allele CA414443714.

ClinVar aggregate classification (germline): Likely pathogenic (1 of 4 stars; one submission).

Conditions:
Thrombophilia, X-linked, due to factor 9 defect. Identifiers: MedGen C2749016, MONDO:0010432, OMIM 300807.
Hereditary factor IX deficiency disease (HEMB). Also called: Christmas Disease; F9 DEFICIENCY; FACTOR IX DEFICIENCY; PLASMA THROMBOPLASTIN COMPONENT DEFICIENCY; Hemophilia B. Identifiers: Orphanet 98879, MedGen C0008533, MeSH D002836, MONDO:0010604, OMIM 306900.

Submission:

Labcorp Genetics (formerly Invitae), Labcorp
Classification: Likely pathogenic for Thrombophilia, X-linked, due to factor 9 defect; Hereditary factor IX deficiency disease. Last evaluated: 2021-10-11. Review status: criteria provided, single submitter. Criteria: Invitae Variant Classification Sherloc (09022015). Collection method: clinical testing. Allele origin: germline.
Comment: In summary, the currently available evidence indicates that the variant is pathogenic, but additional data are needed to prove that conclusively. Therefore, this variant has been classified as Likely Pathogenic. This variant disrupts the p.Ala279 amino acid residue in F9. Other variant(s) that disrupt this residue have been determined to be pathogenic (PMID: 2066105, 23093250, 27529981, 27865967, 29656491). This suggests that this residue is clinically significant, and that variants that disrupt this residue are likely to be disease-causing. Advanced modeling of protein sequence and biophysical properties (such as structural, functional, and spatial information, amino acid conservation, physicochemical variation, residue mobility, and thermodynamic stability) performed at Invitae indicates that this missense variant is expected to disrupt F9 protein function. This variant has not been reported in the literature in individuals affected with F9-related conditions. This variant is not present in population databases (ExAC no frequency). This sequence change replaces alanine with proline at codon 279 of the F9 protein (p.Ala279Pro). The alanine residue is highly conserved and there is a small physicochemical difference between alanine and proline.

Literature cited by the submitters: PubMed 2066105; PubMed 23093250; PubMed 27529981; PubMed 27865967; PubMed 29656491.